The following is an entry in ClinVar:

ClinVar aggregate classification (germline): Pathogenic/Likely pathogenic. Review status: criteria provided, multiple submitters, no conflicts (2 of 4 stars). 5 submissions from 5 submitters: Pathogenic (1); Likely pathogenic (3). 1 of the submissions does not count toward it. Last evaluated 2023-01-01.

Conditions:
Autosomal dominant limb-girdle muscular dystrophy type 1D (DNAJB6) (LGMDD1). Also called: MUSCULAR DYSTROPHY, AUTOSOMAL DOMINANT, WITH RIMMED VACUOLES; MUSCULAR DYSTROPHY, LIMB-GIRDLE, TYPE 1D; Autosomal dominant limb-girdle muscular dystrophy type 1D; Muscular dystrophy, limb-girdle, autosomal dominant 1. Identifiers: Orphanet 34516, MedGen C4721885, MONDO:0021018, OMIM 603511.

Submissions (5):

CeGaT Center for Human Genetics Tuebingen
Classification: Pathogenic. Last evaluated: 2023-01-01. Review status: criteria provided, single submitter. Criteria: CeGaT Center For Human Genetics Tuebingen Variant Classification Criteria Version 2. Collection method: clinical testing. Allele origin: germline. Affected: yes. Observed: 1 variant allele.
Comment: DNAJB6: PM1, PM2, PM5, PS4:Moderate, PP1, PP4

Labcorp Genetics (formerly Invitae), Labcorp
Classification: Likely pathogenic for Autosomal dominant limb-girdle muscular dystrophy type 1D (DNAJB6). Last evaluated: 2022-08-04. Review status: criteria provided, single submitter. Criteria: Invitae Variant Classification Sherloc (09022015). Collection method: clinical testing. Allele origin: germline.
Comment: In summary, the currently available evidence indicates that the variant is pathogenic, but additional data are needed to prove that conclusively. Therefore, this variant has been classified as Likely Pathogenic. This variant disrupts the p.Phe91 amino acid residue in DNAJB6. Other variant(s) that disrupt this residue have been determined to be pathogenic (PMID: 26205529, 26338452, 26371419). This suggests that this residue is clinically significant, and that variants that disrupt this residue are likely to be disease-causing. Advanced modeling of protein sequence and biophysical properties (such as structural, functional, and spatial information, amino acid conservation, physicochemical variation, residue mobility, and thermodynamic stability) performed at Invitae indicates that this missense variant is expected to disrupt DNAJB6 protein function. ClinVar contains an entry for this variant (Variation ID: 498056). This missense change has been observed in individual(s) with clinical features of DNAJB6-related conditions (PMID: 30564623, 31034989). This variant is not present in population databases (gnomAD no frequency). This sequence change replaces phenylalanine, which is neutral and non-polar, with valine, which is neutral and non-polar, at codon 91 of the DNAJB6 protein (p.Phe91Val).

Department of Medical Genetics, University of Pecs
Classification: Likely pathogenic for Autosomal dominant limb-girdle muscular dystrophy type 1D (DNAJB6). Last evaluated: 2018-12-05. Review status: criteria provided, single submitter. Criteria: ACMG Guidelines, 2015. Collection method: clinical testing. Allele origin: germline. Inheritance: Autosomal dominant inheritance. Affected: yes. Observed: 1 heterozygote.
Comment: LGMD1D cases were reported with different mutations in the same position resulting in more severe phenotype (Ruggieri et al. 2016, Palmio et al. 2015).

Eurofins Ntd Llc (ga)
Classification: Likely pathogenic. Last evaluated: 2016-10-20. Review status: criteria provided, single submitter. Criteria: EGL Classification Definitions 2015. Collection method: clinical testing. Allele origin: germline. Observed: 1 variant allele, 1 heterozygote.

OMIM
Classification: Pathogenic for MUSCULAR DYSTROPHY, LIMB-GIRDLE, AUTOSOMAL DOMINANT 1. Last evaluated: 2022-08-09. Review status: no assertion criteria provided. Collection method: literature only. Allele origin: germline. Not counted in ClinVar's aggregate classification.

Literature cited by the submitters: PubMed 26205529 (cited by Labcorp Genetics (formerly Invitae), Labcorp and Department of Medical Genetics, University of Pecs); PubMed 26338452 (cited by Labcorp Genetics (formerly Invitae), Labcorp); PubMed 26371419 (cited by Labcorp Genetics (formerly Invitae), Labcorp); PubMed 30564623 (cited by Labcorp Genetics (formerly Invitae), Labcorp); PubMed 31034989 (cited by Labcorp Genetics (formerly Invitae), Labcorp and OMIM).

NM_058246.4(DNAJB6):c.271T>G (p.Phe91Val)

Gene: DNAJB6 (DnaJ heat shock protein family (Hsp40) member B6; plus strand). Cytogenetic location: 7q36.3.
Variant type: single nucleotide variant.
Coding change: c.271T>G on transcript NM_058246.4 (MANE Select); coding-DNA position 271, T replaced by G.
Protein change: p.Phe91Val; replaces phenylalanine 91 with valine.
Molecular consequence: missense variant.
Genome position (GRCh38, 1-based): chr7:157,367,408, T>G. VCF-style: chr7-157367408-T-G. GRCh37 (hg19) VCF-style: chr7-157160102-T-G.
Other names: c.271T>G, p.Phe91Val (NM_001363676.1, NM_005494.3); short protein forms F91V.
Identifiers: ClinVar variation 498056 (VCV000498056.42), dbSNP rs869320701, ClinGen allele CA370166103.